The following is an entry in ClinVar:

ClinVar aggregate classification (germline): Likely benign (1 of 4 stars; one submission).

gnomAD v4.1: 9 of 1,614,088 alleles (0.00056%); highest among the groups gnomAD compares: Middle Eastern, 0.016%; no homozygotes.

Submission:

CeGaT Center for Human Genetics Tuebingen
Classification: Likely benign. Last evaluated: 2025-06-01. Review status: criteria provided, single submitter. Criteria: CeGaT Center For Human Genetics Tuebingen Variant Classification Criteria Version 2. Collection method: clinical testing. Allele origin: germline. Affected: yes. Observed: 1 variant allele.
Comment: SVIL: BP4, BP7

NM_021738.3(SVIL):c.384C>T (p.Ala128=)

Gene: SVIL (supervillin; minus strand). Cytogenetic location: 10p11.23.
Variant type: single nucleotide variant.
Coding change: c.384C>T on transcript NM_021738.3 (MANE Select); coding-DNA position 384, C replaced by T.
Protein change: p.Ala128=; no amino-acid change (alanine 128 retained).
Molecular consequence: synonymous variant.
Genome position (GRCh38, 1-based): chr10:29,551,040, G>A on the plus strand (C>T on the coding strand, the complement: SVIL is on the minus strand). VCF-style: chr10-29551040-G-A. GRCh37 (hg19) VCF-style: chr10-29839969-G-A.
Other names: c.384C>T, p.Ala128= (NM_001323599.2, NM_001323600.1, NM_003174.3).
Identifiers: ClinVar variation 3905568 (VCV003905568.10).